The following is an entry in ClinVar:

NM_001080517.3(SETD5):c.4159C>G (p.Arg1387Gly)

Gene: SETD5 (SET domain containing 5; plus strand). Cytogenetic location: 3p25.3.
Variant type: single nucleotide variant.
Coding change: c.4159C>G on transcript NM_001080517.3 (MANE Select); coding-DNA position 4159, C replaced by G.
Protein change: p.Arg1387Gly; replaces arginine 1387 with glycine.
Molecular consequence: missense variant.
Genome position (GRCh38, 1-based): chr3:9,475,921, C>G. VCF-style: chr3-9475921-C-G. GRCh37 (hg19) VCF-style: chr3-9517605-C-G.
Other names: c.3865C>G, p.Arg1289Gly (NM_001292043.2, NM_001349451.2); short protein forms R1289G, R1387G.
Identifiers: ClinVar variation 1028536 (VCV001028536.1), dbSNP rs560529972, ClinGen allele CA351694579.

ClinVar aggregate classification (germline): Uncertain significance (1 of 4 stars; one submission).

Conditions:
Intellectual disability-facial dysmorphism syndrome due to SETD5 haploinsufficiency (MRD23). Also called: Intellectual developmental disorder, autosomal dominant 23. Identifiers: Orphanet 404440, MedGen C3810406, MONDO:0014336, OMIM 615761.

Submission:

Baylor Genetics
Classification: Uncertain significance for Intellectual disability-facial dysmorphism syndrome due to SETD5 haploinsufficiency. Last evaluated: 2019-09-06. Review status: criteria provided, single submitter. Criteria: ACMG Guidelines, 2015. Collection method: clinical testing. Allele origin: unknown. Affected: yes.
Comment: This variant was determined to be of uncertain significance according to ACMG Guidelines, 2015 [PMID:25741868].